The following is an entry in ClinVar:

ClinVar aggregate classification (germline): Likely benign. Review status: criteria provided, multiple submitters, no conflicts (2 of 4 stars). 3 submissions from 3 submitters: Likely benign (3). Last evaluated 2024-09-23.

Conditions:
Cardiovascular phenotype. Identifiers: MedGen CN230736.
Dilated cardiomyopathy 1G (CMD1G). Identifiers: Orphanet 154, MedGen C1858763, MONDO:0011400, OMIM 604145.
Autosomal recessive limb-girdle muscular dystrophy type 2J (LGMDR10). Also called: Limb-girdle muscular dystrophy, type 2J; MUSCULAR DYSTROPHY, LIMB-GIRDLE, AUTOSOMAL RECESSIVE 10. Identifiers: Orphanet 140922, MedGen C1837342, MONDO:0012127, OMIM 608807.

Allele frequency attached by ClinVar (database versions not stated): gnomAD exomes below 0.00001; TOPMed below 0.00001; gnomAD 0.00001.
gnomAD v4.1: 2 of 1,613,802 alleles (0.00012%); highest among the groups gnomAD compares: Non-Finnish European, 0.00017%; no homozygotes.

Submissions (3):

Labcorp Genetics (formerly Invitae), Labcorp
Classification: Likely benign for Dilated cardiomyopathy 1G; Autosomal recessive limb-girdle muscular dystrophy type 2J. Last evaluated: 2024-09-23. Review status: criteria provided, single submitter. Criteria: Invitae Variant Classification Sherloc (09022015). Collection method: clinical testing. Allele origin: germline.

Ambry Genetics
Classification: Likely benign for Cardiovascular phenotype. Last evaluated: 2020-02-04. Review status: criteria provided, single submitter. Criteria: Ambry Variant Classification Scheme 2023. Collection method: clinical testing. Allele origin: germline.

GeneDx
Classification: Likely benign. Last evaluated: 2017-03-29. Review status: criteria provided, single submitter. Criteria: GeneDx Variant Classification (06012015). Collection method: clinical testing. Allele origin: germline. Affected: yes.
Comment: This variant is considered likely benign or benign based on one or more of the following criteria: it is a conservative change, it occurs at a poorly conserved position in the protein, it is predicted to be benign by multiple in silico algorithms, and/or has population frequency not consistent with disease.

NM_001267550.2(TTN):c.102609T>C (p.Asp34203=)

Genes: TTN (titin; minus strand), TTN-AS1 (TTN antisense RNA 1; plus strand). Cytogenetic location: 2q31.2.
Variant type: single nucleotide variant.
Coding change: c.102609T>C on transcript NM_001267550.2 (MANE Select); coding-DNA position 102609, T replaced by C.
Protein change: p.Asp34203=; no amino-acid change (aspartic acid 34203 retained).
Molecular consequence: synonymous variant.
Genome position (GRCh38, 1-based): chr2:178,534,006, A>G on the plus strand (T>C on the coding strand, the complement: TTN is on the minus strand). VCF-style: chr2-178534006-A-G. GRCh37 (hg19) VCF-style: chr2-179398733-A-G.
Other names: c.97686T>C, p.Asp32562= (NM_001256850.1); c.75414T>C, p.Asp25138= (NM_003319.4); c.94905T>C, p.Asp31635= (NM_133378.4); c.75789T>C, p.Asp25263= (NM_133432.3); c.75990T>C, p.Asp25330= (NM_133437.4).
Identifiers: ClinVar variation 517845 (VCV000517845.5), dbSNP rs879218563, ClinGen allele CA60959104.